The following is an entry in ClinVar:

ClinVar aggregate classification (germline): Benign/Likely benign. Review status: criteria provided, multiple submitters, no conflicts (2 of 4 stars). 5 submissions from 5 submitters: Benign (1); Likely benign (4). Last evaluated 2025-06-17.

Conditions:
CACNA1A-related disorder. Also called: CACNA1A-related condition.
Developmental and epileptic encephalopathy, 42 (DEE42A). Also called: EPILEPTIC ENCEPHALOPATHY, EARLY INFANTILE, 42A; DEVELOPMENTAL AND EPILEPTIC ENCEPHALOPATHY 42A; Epileptic encephalopathy, early infantile, 42. Identifiers: MedGen C4310716, MONDO:0014917, OMIM 617106.
Episodic ataxia type 2 (EA2). Also called: ACETAZOLAMIDE-RESPONSIVE HEREDITARY PAROXYSMAL CEREBELLAR ATAXIA; ATAXIA, EPISODIC, WITH NYSTAGMUS; ATAXIA, FAMILIAL PAROXYSMAL; CEREBELLAR ATAXIA, PAROXYSMAL, ACETAZOLAMIDE-RESPONSIVE; CEREBELLOPATHY, HEREDITARY PAROXYSMAL; EPISODIC ATAXIA, NYSTAGMUS-ASSOCIATED. Identifiers: Orphanet 97, MedGen C1720416, MONDO:0007163, OMIM 108500.

Allele frequency attached by ClinVar (database versions not stated): ExAC below 0.00001; gnomAD exomes 0.00008; TOPMed 0.00009; gnomAD 0.00011.
gnomAD v4.1: 199 of 1,393,394 alleles (0.014%); highest among the groups gnomAD compares: Non-Finnish European, 0.016%; no homozygotes.

Submissions (5):

Labcorp Genetics (formerly Invitae), Labcorp
Classification: Likely benign for Developmental and epileptic encephalopathy, 42; Episodic ataxia type 2. Last evaluated: 2025-06-17. Review status: criteria provided, single submitter. Criteria: Invitae Variant Classification Sherloc (09022015). Collection method: clinical testing. Allele origin: germline.

PreventionGenetics, part of Exact Sciences
Classification: Likely benign for CACNA1A-related condition. Last evaluated: 2025-02-15. Review status: criteria provided, single submitter. Criteria: ACMG Guidelines, 2015. Collection method: clinical testing. Allele origin: germline.
Comment: This variant is classified as likely benign based on ACMG/AMP sequence variant interpretation guidelines (Richards et al. 2015 PMID: 25741868, with internal and published modifications).

Blueprint Genetics
Classification: Likely benign. Last evaluated: 2024-11-14. Review status: criteria provided, single submitter. Criteria: ACMG Guidelines, 2015. Collection method: clinical testing. Allele origin: germline.

GeneDx
Classification: Likely benign. Last evaluated: 2021-04-16. Review status: criteria provided, single submitter. Criteria: GeneDx Variant Classification Process June 2021. Collection method: clinical testing. Allele origin: germline. Affected: yes.

Athena Diagnostics
Classification: Benign. Last evaluated: 2017-11-01. Review status: criteria provided, single submitter. Criteria: Athena Diagnostics Criteria. Collection method: clinical testing. Allele origin: germline.

NM_001127222.2(CACNA1A):c.6468C>T (p.Arg2156=)

Gene: CACNA1A (calcium voltage-gated channel subunit alpha1 A; minus strand). Cytogenetic location: 19p13.13.
Variant type: single nucleotide variant.
Coding change: c.6468C>T on transcript NM_001127222.2 (MANE Select); coding-DNA position 6468, C replaced by T.
Protein change: p.Arg2156=; no amino-acid change (arginine 2156 retained).
Molecular consequence: synonymous variant.
Genome position (GRCh38, 1-based): chr19:13,209,370, G>A on the plus strand (C>T on the coding strand, the complement: CACNA1A is on the minus strand). VCF-style: chr19-13209370-G-A. GRCh37 (hg19) VCF-style: chr19-13320184-G-A.
Other names: c.6468C>T (NM_001127222.1); c.6486C>T, p.Arg2162= (NM_000068.4, NM_023035.3); c.6471C>T, p.Arg2157= (NM_001127221.2); c.6477C>T, p.Arg2159= (NM_001174080.2).
Identifiers: ClinVar variation 507672 (VCV000507672.16), dbSNP rs745336852, ClinGen allele CA9239354.